The following is an entry in ClinVar:

NM_014003.4(DHX38):c.533A>G (p.His178Arg)

Gene: DHX38 (DEAH-box helicase 38; plus strand). Cytogenetic location: 16q22.2.
Variant type: single nucleotide variant.
Coding change: c.533A>G on transcript NM_014003.4 (MANE Select); coding-DNA position 533, A replaced by G.
Protein change: p.His178Arg; replaces histidine 178 with arginine.
Molecular consequence: missense variant.
Genome position (GRCh38, 1-based): chr16:72,097,698, A>G. VCF-style: chr16-72097698-A-G. GRCh37 (hg19) VCF-style: chr16-72131597-A-G.
Other names: short protein forms H178R.
Identifiers: ClinVar variation 1369590 (VCV001369590.8), dbSNP rs568581243, ClinGen allele CA8160004.

ClinVar aggregate classification (germline): Uncertain significance (1 of 4 stars; one submission).

Allele frequency attached by ClinVar (database versions not stated): gnomAD exomes below 0.00001; TOPMed below 0.00001; ExAC 0.00001; gnomAD 0.00001; 1000 Genomes Project 0.00020; 1000 Genomes Project 30x 0.00031.
gnomAD v4.1: 2 of 1,614,158 alleles (0.00012%); highest among the groups gnomAD compares: Admixed American, 0.0033%; no homozygotes.

Submission:

Labcorp Genetics (formerly Invitae), Labcorp
Classification: Uncertain significance. Last evaluated: 2023-08-10. Review status: criteria provided, single submitter. Criteria: Invitae Variant Classification Sherloc (09022015). Collection method: clinical testing. Allele origin: germline.
Comment: This sequence change replaces histidine, which is basic and polar, with arginine, which is basic and polar, at codon 178 of the DHX38 protein (p.His178Arg). In summary, the available evidence is currently insufficient to determine the role of this variant in disease. Therefore, it has been classified as a Variant of Uncertain Significance. An algorithm developed to predict the effect of missense changes on protein structure and function (PolyPhen-2) suggests that this variant is likely to be tolerated. ClinVar contains an entry for this variant (Variation ID: 1369590). This variant has not been reported in the literature in individuals affected with DHX38-related conditions. This variant is present in population databases (rs568581243, gnomAD 0.003%).